The following is an entry in ClinVar:

ClinVar aggregate classification (germline): Uncertain significance (1 of 4 stars; one submission).

Conditions:
Supravalvar aortic stenosis (SVAS). Also called: Supravalvar aortic stenosis, Eisenberg type. Identifiers: Orphanet 3193, MedGen C0003499, MONDO:0008504, OMIM 185500, HP:0004381.

Allele frequency attached by ClinVar (database versions not stated): gnomAD exomes 0.00001; TOPMed 0.00001.

Submission:

Labcorp Genetics (formerly Invitae), Labcorp
Classification: Uncertain significance for Supravalvar aortic stenosis. Last evaluated: 2021-08-26. Review status: criteria provided, single submitter. Criteria: Invitae Variant Classification Sherloc (09022015). Collection method: clinical testing. Allele origin: germline.
Comment: Algorithms developed to predict the effect of missense changes on protein structure and function are either unavailable or do not agree on the potential impact of this missense change (SIFT: "Deleterious"; PolyPhen-2: "Not Available"; Align-GVGD: "Class C0"). In summary, the available evidence is currently insufficient to determine the role of this variant in disease. Therefore, it has been classified as a Variant of Uncertain Significance. This variant has not been reported in the literature in individuals affected with ELN-related conditions. This variant is not present in population databases (ExAC no frequency). This sequence change replaces glycine with glutamic acid at codon 658 of the ELN protein (p.Gly658Glu). The glycine residue is moderately conserved and there is a moderate physicochemical difference between glycine and glutamic acid.

NM_000501.4(ELN):c.1787G>A (p.Gly596Glu)

Gene: ELN (elastin; plus strand). Cytogenetic location: 7q11.23.
Variant type: single nucleotide variant.
Coding change: c.1787G>A on transcript NM_000501.4 (MANE Select); coding-DNA position 1787, G replaced by A.
Protein change: p.Gly596Glu; replaces glycine 596 with glutamic acid.
Molecular consequence: missense variant.
Genome position (GRCh38, 1-based): chr7:74,063,153, G>A. VCF-style: chr7-74063153-G-A. GRCh37 (hg19) VCF-style: chr7-73477483-G-A.
Other names: c.1700G>A, p.Gly567Glu (NM_001081752.3); c.1745G>A, p.Gly582Glu (NM_001081753.3); c.1802G>A, p.Gly601Glu (NM_001081754.3); c.1730G>A, p.Gly577Glu (NM_001081755.3); c.1787G>A, p.Gly596Glu (NM_001278912.2); c.1544G>A, p.Gly515Glu (NM_001278913.2); c.1715G>A, p.Gly572Glu (NM_001278914.2); c.1805G>A, p.Gly602Glu (NM_001278915.2); and 4 more; short protein forms G548E, G596E, G601E, G577E, G582E, G507E, G586E, G602E.
Identifiers: ClinVar variation 1411399 (VCV001411399.6), dbSNP rs1554685979, ClinGen allele CA367889247.